The following is an entry in ClinVar:

NM_001349338.3(FOXP1):c.1340T>C (p.Ile447Thr)

Gene: FOXP1 (forkhead box P1; minus strand). Cytogenetic location: 3p13.
Variant type: single nucleotide variant.
Coding change: c.1340T>C on transcript NM_001349338.3 (MANE Select); coding-DNA position 1340, T replaced by C.
Protein change: p.Ile447Thr; replaces isoleucine 447 with threonine.
Molecular consequence: missense variant. On other transcripts: non-coding transcript variant (2).
Genome position (GRCh38, 1-based): chr3:70,977,836, A>G on the plus strand (T>C on the coding strand, the complement: FOXP1 is on the minus strand). VCF-style: chr3-70977836-A-G. GRCh37 (hg19) VCF-style: chr3-71026987-A-G.
Other names: c.1340T>C, p.Ile447Thr (NM_001244808.3, NM_001244810.2, NM_001244814.3 and 3 more transcripts); c.1112T>C, p.Ile371Thr (NM_001244812.3); c.1040T>C, p.Ile347Thr (NM_001244813.3, NM_001244815.2, NM_001349342.3 and 1 more transcripts); c.1037T>C, p.Ile346Thr (NM_001349337.2, NM_001349343.3, NM_001349344.3); c.1337T>C, p.Ile446Thr (NM_001349341.3); short protein forms I346T, I347T, I371T, I446T, I447T.
Identifiers: ClinVar variation 3383690 (VCV003383690.1).

ClinVar aggregate classification (germline): Uncertain significance (1 of 4 stars; one submission).

Submission:

GeneDx
Classification: Uncertain significance. Last evaluated: 2024-05-30. Review status: criteria provided, single submitter. Criteria: GeneDx Variant Classification Process June 2021. Collection method: clinical testing. Allele origin: germline. Affected: yes.
Comment: Not observed at significant frequency in large population cohorts (gnomAD); In silico analysis supports that this missense variant has a deleterious effect on protein structure/function; Has not been previously published as pathogenic or benign to our knowledge